The following is an entry in ClinVar:

ClinVar aggregate classification (germline): Uncertain significance. Review status: criteria provided, multiple submitters, no conflicts (2 of 4 stars). 2 submissions from 2 submitters: Uncertain significance (2). Last evaluated 2025-10-05.

Allele frequency attached by ClinVar (database versions not stated): gnomAD exomes 0.00001.
gnomAD v4.1: 10 of 1,607,738 alleles (0.00062%); highest among the groups gnomAD compares: Non-Finnish European, 0.00085%; no homozygotes.

Submissions (2):

Labcorp Genetics (formerly Invitae), Labcorp
Classification: Uncertain significance. Last evaluated: 2025-10-05. Review status: criteria provided, single submitter. Criteria: Invitae Variant Classification Sherloc (09022015). Collection method: clinical testing. Allele origin: germline.
Comment: This sequence change replaces proline, which is neutral and non-polar, with arginine, which is basic and polar, at codon 603 of the RASA2 protein (p.Pro603Arg). This variant is present in population databases (no rsID available, gnomAD 0.0009%). This variant has not been reported in the literature in individuals affected with RASA2-related conditions. ClinVar contains an entry for this variant (Variation ID: 2082025). Invitae Evidence Modeling of protein sequence and biophysical properties (such as structural, functional, and spatial information, amino acid conservation, physicochemical variation, residue mobility, and thermodynamic stability) indicates that this missense variant is not expected to disrupt RASA2 protein function with a negative predictive value of 80%. In summary, the available evidence is currently insufficient to determine the role of this variant in disease. Therefore, it has been classified as a Variant of Uncertain Significance.

Blueprint Genetics
Classification: Uncertain significance. Last evaluated: 2019-09-16. Review status: criteria provided, single submitter. Criteria: ACMG Guidelines, 2015. Collection method: clinical testing. Allele origin: germline.

NM_006506.5(RASA2):c.1808C>G (p.Pro603Arg)

Gene: RASA2 (RAS p21 protein activator 2; plus strand). Cytogenetic location: 3q23.
Variant type: single nucleotide variant.
Coding change: c.1808C>G on transcript NM_006506.5 (MANE Select); coding-DNA position 1808, C replaced by G.
Protein change: p.Pro603Arg; replaces proline 603 with arginine.
Molecular consequence: missense variant.
Genome position (GRCh38, 1-based): chr3:141,586,080, C>G. VCF-style: chr3-141586080-C-G. GRCh37 (hg19) VCF-style: chr3-141304922-C-G.
Other names: c.1808C>G, p.Pro603Arg (NM_001303245.3, NM_001303246.3); short protein forms P603R.
Identifiers: ClinVar variation 2082025 (VCV002082025.5), dbSNP rs1175460906, ClinGen allele CA354781844.